The following is an entry in ClinVar:

ClinVar aggregate classification (germline): Benign. Review status: criteria provided, single submitter (1 of 4 stars). 3 submissions from 1 submitter: Benign (3). Last evaluated 2018-01-13.

Conditions:
Pulmonary fibrosis and/or bone marrow failure, Telomere-related, 1. Also called: PULMONARY FIBROSIS AND/OR BONE MARROW FAILURE SYNDROME, TELOMERE-RELATED, 1. Identifiers: Orphanet 88, MedGen C3553617, MONDO:0013878, OMIM 614742.
Dyskeratosis congenita, autosomal dominant 2. Identifiers: MedGen C3151443, MONDO:0013521, OMIM 613989.
Aplastic anemia. Identifiers: Orphanet 182040, Orphanet 88, MedGen C0002874, MONDO:0015909, OMIM 609135, HP:0001915.

Allele frequency attached by ClinVar (database versions not stated): gnomAD exomes 0.00060; gnomAD 0.00523 and 0.00547; TOPMed 0.00606; 1000 Genomes Project 0.00779; 1000 Genomes Project 30x 0.00781.
gnomAD v4.1: 1,123 of 679,646 alleles (0.17%); highest among the groups gnomAD compares: African/African-American, 1.8%; 5 homozygotes.

Submissions (3):

Illumina Laboratory Services, Illumina
Classification: Benign for Pulmonary fibrosis and/or bone marrow failure, Telomere-related, 1. Last evaluated: 2018-01-13. Review status: criteria provided, single submitter. Criteria: ICSL Variant Classification Criteria 13 December 2019. Collection method: clinical testing. Allele origin: germline.
Comment: This variant was observed in the ICSL laboratory as part of a predisposition screen in an ostensibly healthy population. It had not been previously curated by ICSL or reported in the Human Gene Mutation Database (HGMD: prior to June 1st, 2018), and was therefore a candidate for classification through an automated scoring system. Utilizing variant allele frequency, disease prevalence and penetrance estimates, and inheritance mode, an automated score was calculated to assess if this variant is too frequent to cause the disease. Based on the score and internal cut-off values, a variant classified as benign is not then subjected to further curation. The score for this variant resulted in a classification of benign for this disease.

Illumina Laboratory Services, Illumina
Classification: Benign for Dyskeratosis congenita, autosomal dominant 2. Last evaluated: 2018-01-13. Review status: criteria provided, single submitter. Criteria: ICSL Variant Classification Criteria 13 December 2019. Collection method: clinical testing. Allele origin: germline.
Comment: the same text as in the submission from Illumina Laboratory Services, Illumina above.

Illumina Laboratory Services, Illumina
Classification: Benign for Aplastic anemia. Last evaluated: 2018-01-13. Review status: criteria provided, single submitter. Criteria: ICSL Variant Classification Criteria 13 December 2019. Collection method: clinical testing. Allele origin: germline.
Comment: the same text as in the submission from Illumina Laboratory Services, Illumina above.

NM_198253.3(TERT):c.*153C>T

Gene: TERT (telomerase reverse transcriptase; minus strand). Cytogenetic location: 5p15.33.
Variant type: single nucleotide variant.
Coding change: c.*153C>T on transcript NM_198253.3 (MANE Select); 153 bases downstream of the stop codon, C replaced by T.
Molecular consequence: 3 prime UTR variant. On other transcripts: non-coding transcript variant (2).
Genome position (GRCh38, 1-based): chr5:1,253,575, G>A on the plus strand (C>T on the coding strand, the complement: TERT is on the minus strand). VCF-style: chr5-1253575-G-A. GRCh37 (hg19) VCF-style: chr5-1253690-G-A.
Other names: c.*153C>T (NM_001193376.3).
Identifiers: ClinVar variation 350513 (VCV000350513.5), dbSNP rs114012142, ClinGen allele CA10622317.